The following is an entry in ClinVar:

ClinVar aggregate classification (germline): Pathogenic. Review status: criteria provided, multiple submitters, no conflicts (2 of 4 stars). 2 submissions from 2 submitters: Pathogenic (2). Last evaluated 2025-05-15.

Conditions:
Breast-ovarian cancer, familial, susceptibility to, 2 (BROVCA2). Also called: BRCA2 Hereditary Breast and Ovarian Cancer. Identifiers: Orphanet 145, MedGen C2675520, MONDO:0012933, OMIM 612555. Disease mechanism: loss of function.
Hereditary breast ovarian cancer syndrome. Also called: Hereditary breast and ovarian cancer; Breast and ovarian cancer; Hereditary breast and/or ovarian cancer syndrome; BRCA1- and BRCA2-Associated Hereditary Breast and Ovarian Cancer; Hereditary breast and ovarian cancer syndrome; Hereditary breast and ovarian cancer syndrome (HBOC). Identifiers: Orphanet 145, MedGen C0677776, MeSH D061325, MONDO:0003582. Disease mechanism: loss of function.

Submissions (2):

GeneKor MSA
Classification: Pathogenic for Hereditary breast ovarian cancer syndrome. Last evaluated: 2025-05-15. Review status: criteria provided, single submitter. Criteria: ACMG Guidelines, 2015. Collection method: clinical testing. Allele origin: germline. Affected: yes.
Comment: This sequence change deletes one base in exon 16 of the BRCA2 mRNA, c.(7660del), causing a frameshift after codon 7660. This creates a premature translational stop signal 94 amino acid residues later p.(Ser2554Alafs*94) and is expected to result in an absent or disrupted protein product and loss-of-function variants in BRCA2 are known to be pathogenic (PMID:20104584).This variant is not present in population databases. The mutation database ClinVar contains entries for this variant where it is listed as pathogenic (VCV003148660.1). Based on the classification criteria set by the ACMG and AMP (PMID:25741868) this variant has been classified as pathogenic.

Myriad Genetics, Inc.
Classification: Pathogenic for Breast-ovarian cancer, familial, susceptibility to, 2. Last evaluated: 2023-12-28. Review status: criteria provided, single submitter. Criteria: Myriad Autosomal Dominant, Autosomal Recessive and X-Linked Classification Criteria (2023). Collection method: clinical testing. Allele origin: unknown.
Comment: This variant is considered pathogenic. This variant creates a frameshift predicted to result in premature protein truncation.

Literature cited by the submitters: PubMed 20104584 (cited by GeneKor MSA).

NM_000059.4(BRCA2):c.7660del (p.Ser2554fs)

Gene: BRCA2 (BRCA2 DNA repair associated; plus strand). Cytogenetic location: 13q13.1.
Variant type: Deletion.
Coding change: c.7660del on transcript NM_000059.4 (MANE Select); coding-DNA position 7660, one base deleted (A; older notation c.7660delA).
Protein change: p.Ser2554fs; shifts the reading frame from serine 2554.
Molecular consequence: frameshift variant. On other transcripts: non-coding transcript variant (1).
Genome position (GRCh38, 1-based): chr13:32,357,784, A deleted. VCF-style (leftmost placement, unchanged base first): chr13-32357783-CA-C. GRCh37 (hg19) VCF-style: chr13-32931920-CA-C.
Other names: c.7564del, p.Ser2522fs (NM_001406719.1); c.7660del, p.Ser2554fs (NM_001406720.1); c.2728del, p.Ser910fs (NM_001406721.1); c.1243del, p.Ser415fs (NM_001406722.1); short protein forms S2522fs, S2554fs, S415fs, S910fs.
Identifiers: ClinVar variation 3148660 (VCV003148660.2), dbSNP rs2548542492, ClinGen allele CA2825002144.